The following is an entry in ClinVar:

ClinVar aggregate classification (germline): Conflicting classifications of pathogenicity. Review status: criteria provided, conflicting classifications (1 of 4 stars). 2 submissions from 2 submitters: Uncertain significance (1); Likely benign (1). Last evaluated 2026-05-01.

Conditions:
Early Myoclonic Encephalopathy. Identifiers: MedGen C0270855.

Submissions (2):

CeGaT Center for Human Genetics Tuebingen
Classification: Uncertain significance. Last evaluated: 2026-05-01. Review status: criteria provided, single submitter. Criteria: CeGaT Center For Human Genetics Tuebingen Variant Classification Criteria Version 2. Collection method: clinical testing. Allele origin: germline. Affected: yes. Observed: 1 variant allele.
Comment: JMJD1C: PM2:Supporting, BP4

Labcorp Genetics (formerly Invitae), Labcorp
Classification: Likely benign for Early Myoclonic Encephalopathy. Last evaluated: 2024-12-03. Review status: criteria provided, single submitter. Criteria: Invitae Variant Classification Sherloc (09022015). Collection method: clinical testing. Allele origin: germline.

NM_032776.3(JMJD1C):c.2661A>G (p.Glu887=)

Gene: JMJD1C (jumonji domain containing 1C; minus strand). Cytogenetic location: 10q21.3.
Variant type: single nucleotide variant.
Coding change: c.2661A>G on transcript NM_032776.3 (MANE Select); coding-DNA position 2661, A replaced by G.
Protein change: p.Glu887=; no amino-acid change (glutamic acid 887 retained).
Molecular consequence: synonymous variant. On other transcripts: non-coding transcript variant (1).
Genome position (GRCh38, 1-based): chr10:63,213,506, T>C on the plus strand (A>G on the coding strand, the complement: JMJD1C is on the minus strand). VCF-style: chr10-63213506-T-C. GRCh37 (hg19) VCF-style: chr10-64973266-T-C.
Other names: c.2115A>G, p.Glu705= (NM_001282948.2, NM_001318154.2); c.1797A>G, p.Glu599= (NM_001318153.2); c.2547A>G, p.Glu849= (NM_001322252.2); c.2004A>G, p.Glu668= (NM_001322254.2, NM_001322258.2).
Identifiers: ClinVar variation 1578413 (VCV001578413.10), dbSNP rs2133212088, ClinGen allele CA469998743.